The following is an entry in ClinVar:

NM_020433.5(JPH2):c.641C>A (p.Ala214Glu)

Gene: JPH2 (junctophilin 2; minus strand). Cytogenetic location: 20q13.12.
Variant type: single nucleotide variant.
Coding change: c.641C>A on transcript NM_020433.5 (MANE Select); coding-DNA position 641, C replaced by A.
Protein change: p.Ala214Glu; replaces alanine 214 with glutamic acid.
Molecular consequence: missense variant.
Genome position (GRCh38, 1-based): chr20:44,160,146, G>T on the plus strand (C>A on the coding strand, the complement: JPH2 is on the minus strand). VCF-style: chr20-44160146-G-T. GRCh37 (hg19) VCF-style: chr20-42788786-G-T.
Other names: short protein forms A214E.
Identifiers: ClinVar variation 1209029 (VCV001209029.9), dbSNP rs952147058, ClinGen allele CA314629667.

ClinVar aggregate classification (germline): Uncertain significance. Review status: criteria provided, multiple submitters, no conflicts (2 of 4 stars). 3 submissions from 3 submitters: Uncertain significance (3). Last evaluated 2024-03-01.

Conditions:
Cardiovascular phenotype. Identifiers: MedGen CN230736.
Hypertrophic cardiomyopathy. Also called: HYPERTROPHIC MYOCARDIOPATHY. Identifiers: Orphanet 217569, MedGen C0007194, MeSH D002312, MONDO:0005045, HP:0001639.

Allele frequency attached by ClinVar (database versions not stated): gnomAD 0.00001 and 0.00002; gnomAD exomes 0.00002; TOPMed 0.00002.
gnomAD v4.1: 10 of 1,435,396 alleles (0.0007%); highest among the groups gnomAD compares: Non-Finnish European, 0.00091%; no homozygotes.

Submissions (3):

Ambry Genetics
Classification: Uncertain significance for Cardiovascular phenotype. Last evaluated: 2024-03-01. Review status: criteria provided, single submitter. Criteria: Ambry Variant Classification Scheme 2023. Collection method: clinical testing. Allele origin: germline.

Labcorp Genetics (formerly Invitae), Labcorp
Classification: Uncertain significance for Hypertrophic cardiomyopathy. Last evaluated: 2022-03-14. Review status: criteria provided, single submitter. Criteria: Invitae Variant Classification Sherloc (09022015). Collection method: clinical testing. Allele origin: germline.
Comment: ClinVar contains an entry for this variant (Variation ID: 1209029). In summary, the available evidence is currently insufficient to determine the role of this variant in disease. Therefore, it has been classified as a Variant of Uncertain Significance. Algorithms developed to predict the effect of missense changes on protein structure and function (SIFT, PolyPhen-2, Align-GVGD) all suggest that this variant is likely to be tolerated. This variant has not been reported in the literature in individuals affected with JPH2-related conditions. The frequency data for this variant in the population databases is considered unreliable, as metrics indicate poor data quality at this position in the gnomAD database. This sequence change replaces alanine, which is neutral and non-polar, with glutamic acid, which is acidic and polar, at codon 214 of the JPH2 protein (p.Ala214Glu).

GeneDx
Classification: Uncertain significance. Last evaluated: 2019-10-31. Review status: criteria provided, single submitter. Criteria: GeneDx Variant Classification Process June 2021. Collection method: clinical testing. Allele origin: germline. Affected: yes.
Comment: Has not been previously published as pathogenic or benign to our knowledge; Not observed at a significant frequency in large population cohorts (Lek et al., 2016); In silico analysis, which includes protein predictors and evolutionary conservation, supports that this variant does not alter protein structure/function